The following is an entry in ClinVar:

ClinVar aggregate classification (germline): Uncertain significance (1 of 4 stars; one submission).

Submission:

Labcorp Genetics (formerly Invitae), Labcorp
Classification: Uncertain significance. Last evaluated: 2022-09-27. Review status: criteria provided, single submitter. Criteria: Invitae Variant Classification Sherloc (09022015). Collection method: clinical testing. Allele origin: germline.
Comment: This variant, c.1299_1316dup, results in the insertion of 6 amino acid(s) of the RUSC2 protein (p.Gly434_Pro439dup), but otherwise preserves the integrity of the reading frame. This variant is present in population databases (rs561392265, gnomAD 0.04%). This variant has not been reported in the literature in individuals affected with RUSC2-related conditions. ClinVar contains an entry for this variant (Variation ID: 1436734). Experimental studies and prediction algorithms are not available or were not evaluated, and the functional significance of this variant is currently unknown. In summary, the available evidence is currently insufficient to determine the role of this variant in disease. Therefore, it has been classified as a Variant of Uncertain Significance.

NM_014806.5(RUSC2):c.1299_1316dup (p.Gly434_Pro439dup)

Gene: RUSC2 (RUN and SH3 domain containing 2; plus strand). Cytogenetic location: 9p13.3.
Variant type: Duplication.
Coding change: c.1299_1316dup on transcript NM_014806.5 (MANE Select); coding-DNA positions 1299 to 1316, 18 bases duplicated (TGGCCCAGACCCAGGCCC).
Protein change: p.Gly434_Pro439dup.
Molecular consequence: inframe insertion. On other transcripts: non-coding transcript variant (1), intron variant (1).
Genome position (GRCh38, 1-based): chr9:35,547,820-35,547,837, TGGCCCAGACCCAGGCCC duplicated; duplicating any 18 consecutive bases within chr9:35,547,812-35,547,837 gives the same sequence; the c. name uses the placement nearest the transcript's 3' end. VCF-style (leftmost placement, unchanged base first): chr9-35547811-A-ACCAGGCCCTGGCCCAGAC. GRCh37 (hg19) VCF-style: chr9-35547808-A-ACCAGGCCCTGGCCCAGAC.
Other names: c.1299_1316dup, p.Gly434_Pro439dup (NM_001135999.2); c.-620-7240_-620-7223dup (NM_001330740.2).
Identifiers: ClinVar variation 1436734 (VCV001436734.5), dbSNP rs561392265, ClinGen allele CA5043611.